The following is an entry in ClinVar:

ClinVar aggregate classification (germline): Uncertain significance (1 of 4 stars; one submission).

Conditions:
Neonatal-onset encephalopathy with rigidity and seizures. Also called: Lethal neonatal spasticity-epileptic encephalopathy syndrome. Identifiers: Orphanet 435845, MedGen C3281029, MONDO:0013784, OMIM 614498.

Submission:

Labcorp Genetics (formerly Invitae), Labcorp
Classification: Uncertain significance for Neonatal-onset encephalopathy with rigidity and seizures. Last evaluated: 2022-07-19. Review status: criteria provided, single submitter. Criteria: Invitae Variant Classification Sherloc (09022015). Collection method: clinical testing. Allele origin: germline.
Comment: In summary, the available evidence is currently insufficient to determine the role of this variant in disease. Therefore, it has been classified as a Variant of Uncertain Significance. Algorithms developed to predict the effect of missense changes on protein structure and function are either unavailable or do not agree on the potential impact of this missense change (SIFT: "Not Available"; PolyPhen-2: "Benign"; Align-GVGD: "Not Available"). ClinVar contains an entry for this variant (Variation ID: 1354616). This variant has not been reported in the literature in individuals affected with BRAT1-related conditions. Information on the frequency of this variant in the gnomAD database is not available, as this variant may be reported differently in the database. This sequence change replaces glutamine, which is neutral and polar, with proline, which is neutral and non-polar, at codon 506 of the BRAT1 protein (p.Gln506Pro).

NM_152743.4(BRAT1):c.1517_1518delinsCC (p.Gln506Pro)

Gene: BRAT1 (BRCA1 associated ATM activator 1; minus strand). Cytogenetic location: 7p22.3.
Variant type: Indel.
Coding change: c.1517_1518delinsCC on transcript NM_152743.4 (MANE Select); coding-DNA positions 1517 to 1518, AG replaced by CC.
Protein change: p.Gln506Pro; replaces glutamine 506 with proline.
Molecular consequence: missense variant. On other transcripts: non-coding transcript variant (1).
Genome position (GRCh38, 1-based): chr7:2,539,623-2,539,624, CT replaced by GG on the plus strand (AG replaced by CC on the coding strand, the reverse complement: BRAT1 is on the minus strand). VCF-style: chr7-2539623-CT-GG. GRCh37 (hg19) VCF-style: chr7-2579257-CT-GG.
Other names: c.1517_1518delinsCC, p.Gln506Pro (NM_001350626.2); c.992_993delinsCC, p.Gln331Pro (NM_001350627.2); short protein forms Q506P, Q331P.
Identifiers: ClinVar variation 1354616 (VCV001354616.6), dbSNP rs2128386844, ClinGen allele CA2573141999.